The following is an entry in ClinVar:

NM_003803.4(MYOM1):c.3308G>C (p.Arg1103Pro)

Gene: MYOM1 (myomesin 1; minus strand). Cytogenetic location: 18p11.31.
Variant type: single nucleotide variant.
Coding change: c.3308G>C on transcript NM_003803.4 (MANE Select); coding-DNA position 3308, G replaced by C.
Protein change: p.Arg1103Pro; replaces arginine 1103 with proline.
Molecular consequence: missense variant.
Genome position (GRCh38, 1-based): chr18:3,112,408, C>G on the plus strand (G>C on the coding strand, the complement: MYOM1 is on the minus strand). VCF-style: chr18-3112408-C-G. GRCh37 (hg19) VCF-style: chr18-3112406-C-G.
Other names: c.3020G>C, p.Arg1007Pro (NM_019856.2); short protein forms R1007P, R1103P.
Identifiers: ClinVar variation 1730037 (VCV001730037.2), dbSNP rs186972208, ClinGen allele CA8874339.

ClinVar aggregate classification (germline): Uncertain significance (1 of 4 stars; one submission).

gnomAD v4.1: 1 of 1,596,928 alleles (0.000063%); highest among the groups gnomAD compares: South Asian, 0.0011%; no homozygotes.

Submission:

Ambry Genetics
Classification: Uncertain significance. Last evaluated: 2022-05-02. Review status: criteria provided, single submitter. Criteria: Ambry Variant Classification Scheme 2023. Collection method: clinical testing. Allele origin: germline.
Comment: The p.R1103P variant (also known as c.3308G>C), located in coding exon 21 of the MYOM1 gene, results from a G to C substitution at nucleotide position 3308. The arginine at codon 1103 is replaced by proline, an amino acid with dissimilar properties. This amino acid position is conserved. In addition, this alteration is predicted to be tolerated by in silico analysis. Since supporting evidence is limited at this time, the clinical significance of this alteration remains unclear.